The following is an entry in ClinVar:

ClinVar aggregate classification (germline): Uncertain significance (1 of 4 stars; one submission).

Conditions:
Infantile spasms. Also called: Infantile spasm. Identifiers: MedGen C3887898, HP:0012469.

Allele frequency attached by ClinVar (database versions not stated): gnomAD 0.00001; gnomAD exomes 0.00001; ExAC 0.00002.
gnomAD v4.1: 17 of 1,611,832 alleles (0.0011%); highest among the groups gnomAD compares: South Asian, 0.0066%; no homozygotes.

Submission:

Labcorp Genetics (formerly Invitae), Labcorp
Classification: Uncertain significance for Infantile spasms. Last evaluated: 2021-03-05. Review status: criteria provided, single submitter. Criteria: Invitae Variant Classification Sherloc (09022015). Collection method: clinical testing. Allele origin: germline.
Comment: Algorithms developed to predict the effect of missense changes on protein structure and function output the following: SIFT: "Tolerated"; PolyPhen-2: "Benign"; Align-GVGD: "Class C0". The isoleucine amino acid residue is found in multiple mammalian species, suggesting that this missense change does not adversely affect protein function. These predictions have not been confirmed by published functional studies and their clinical significance is uncertain. This variant has not been reported in the literature in individuals with PIK3AP1-related conditions. This variant is present in population databases (rs751645271, ExAC 0.006%). This sequence change replaces valine with isoleucine at codon 571 of the PIK3AP1 protein (p.Val571Ile). The valine residue is highly conserved and there is a small physicochemical difference between valine and isoleucine. In summary, the available evidence is currently insufficient to determine the role of this variant in disease. Therefore, it has been classified as a Variant of Uncertain Significance.

NM_152309.3(PIK3AP1):c.1711G>A (p.Val571Ile)

Gene: PIK3AP1 (phosphoinositide-3-kinase adaptor protein 1; minus strand). Cytogenetic location: 10q24.1.
Variant type: single nucleotide variant.
Coding change: c.1711G>A on transcript NM_152309.3 (MANE Select); coding-DNA position 1711, G replaced by A.
Protein change: p.Val571Ile; replaces valine 571 with isoleucine.
Molecular consequence: missense variant.
Genome position (GRCh38, 1-based): chr10:96,623,496, C>T on the plus strand (G>A on the coding strand, the complement: PIK3AP1 is on the minus strand). VCF-style: chr10-96623496-C-T. GRCh37 (hg19) VCF-style: chr10-98383253-C-T.
Other names: short protein forms V571I.
Identifiers: ClinVar variation 1396017 (VCV001396017.8), dbSNP rs751645271, ClinGen allele CA5626183.
Genomic context (GRCh38, chr10:96,623,496, plus strand): 5'-CACACAAAAGTTCAGTTCATATAACACATGGCTTACCTTTCCTGATGCTCTCTGAGGAAA[C>T]GTAGAAATTCCCAGGCCGCTCTTGACTTTTTTCTGCAAAAACTATGAGATAAAGAATATT-3'
Protein context (NP_689522.2, residues 561-581): KSQERPGNFY[Val571Ile]SSESIRKGPP